The following is an entry in ClinVar:

NM_001033855.3(DCLRE1C):c.1156+1G>C

Gene: DCLRE1C (DNA cross-link repair 1C; minus strand). Cytogenetic location: 10p13.
Variant type: single nucleotide variant.
Coding change: c.1156+1G>C on transcript NM_001033855.3 (MANE Select); the canonical splice donor site of the intron after coding-DNA position 1156, G replaced by C.
Molecular consequence: splice donor variant.
Genome position (GRCh38, 1-based): chr10:14,919,737, C>G on the plus strand (G>C on the coding strand, the complement: DCLRE1C is on the minus strand). VCF-style: chr10-14919737-C-G. GRCh37 (hg19) VCF-style: chr10-14961736-C-G.
Other names: c.811+1G>C (NM_001350966.2, NM_001289078.2, NM_001289076.2 and 1 more transcripts); c.1156+1G>C (NM_001350965.2); c.796+1G>C (NM_001350967.2, NM_001289077.2, NM_001289079.2 and 2 more transcripts).
Identifiers: ClinVar variation 2745195 (VCV002745195.3), dbSNP rs2491772724, ClinGen allele CA376078179.

ClinVar aggregate classification (germline): Pathogenic (1 of 4 stars; one submission).

Conditions:
Severe combined immunodeficiency due to DCLRE1C deficiency (RS-SCID). Also called: SCID, AUTOSOMAL RECESSIVE, T CELL-NEGATIVE, B CELL-NEGATIVE, NK CELL-POSITIVE, WITH SENSITIVITY TO IONIZING RADIATION. Identifiers: Orphanet 275, MedGen C1865371, MONDO:0011225, OMIM 602450.

gnomAD v4.1: 1 of 1,612,330 alleles (0.000062%); highest among the groups gnomAD compares: Non-Finnish European, 0.000085%; no homozygotes.

Submission:

Labcorp Genetics (formerly Invitae), Labcorp
Classification: Pathogenic for Athabaskan severe combined immunodeficiency. Last evaluated: 2023-07-19. Review status: criteria provided, single submitter. Criteria: Invitae Variant Classification Sherloc (09022015). Collection method: clinical testing. Allele origin: germline.
Comment: For these reasons, this variant has been classified as Pathogenic. This variant disrupts a region of the DCLRE1C protein in which other variant(s) (p.Thr557Asnfs*21) have been determined to be pathogenic (PMID: 26476407). This suggests that this is a clinically significant region of the protein, and that variants that disrupt it are likely to be disease-causing. This sequence change affects a donor splice site in intron 13 of the DCLRE1C gene. While this variant is not anticipated to result in nonsense mediated decay, it likely alters RNA splicing and results in a disrupted protein product. This variant is not present in population databases (gnomAD no frequency). This variant has not been reported in the literature in individuals affected with DCLRE1C-related conditions. Variants that disrupt the consensus splice site are a relatively common cause of aberrant splicing (PMID: 17576681, 9536098). Algorithms developed to predict the effect of sequence changes on RNA splicing suggest that this variant may disrupt the consensus splice site.

Literature cited by the submitters: PubMed 26476407; PubMed 17576681; PubMed 9536098.